The following is an entry in ClinVar:

ClinVar aggregate classification (germline): Uncertain significance. Review status: criteria provided, multiple submitters, no conflicts (2 of 4 stars). 2 submissions from 2 submitters: Uncertain significance (2). Last evaluated 2025-01-01.

Conditions:
Inborn genetic diseases. Identifiers: MedGen C0950123, MeSH D030342.

Allele frequency attached by ClinVar (database versions not stated): TOPMed below 0.00001.

Submissions (2):

Ambry Genetics
Classification: Uncertain significance for Inborn genetic diseases. Last evaluated: 2025-01-01. Review status: criteria provided, single submitter. Criteria: Ambry Variant Classification Scheme 2023. Collection method: clinical testing. Allele origin: germline.

Labcorp Genetics (formerly Invitae), Labcorp
Classification: Uncertain significance. Last evaluated: 2024-04-18. Review status: criteria provided, single submitter. Criteria: Invitae Variant Classification Sherloc (09022015). Collection method: clinical testing. Allele origin: germline.
Comment: This sequence change replaces histidine, which is basic and polar, with glutamine, which is neutral and polar, at codon 352 of the TBX6 protein (p.His352Gln). This variant is not present in population databases (gnomAD no frequency). This variant has not been reported in the literature in individuals affected with TBX6-related conditions. ClinVar contains an entry for this variant (Variation ID: 1975972). Advanced modeling of protein sequence and biophysical properties (such as structural, functional, and spatial information, amino acid conservation, physicochemical variation, residue mobility, and thermodynamic stability) performed at Invitae indicates that this missense variant is not expected to disrupt TBX6 protein function with a negative predictive value of 80%. In summary, the available evidence is currently insufficient to determine the role of this variant in disease. Therefore, it has been classified as a Variant of Uncertain Significance.

NM_004608.4(TBX6):c.1056C>A (p.His352Gln)

Gene: TBX6 (T-box transcription factor 6; minus strand). Cytogenetic location: 16p11.2.
Variant type: single nucleotide variant.
Coding change: c.1056C>A on transcript NM_004608.4 (MANE Select); coding-DNA position 1056, C replaced by A.
Protein change: p.His352Gln; replaces histidine 352 with glutamine.
Molecular consequence: missense variant.
Genome position (GRCh38, 1-based): chr16:30,086,553, G>T on the plus strand (C>A on the coding strand, the complement: TBX6 is on the minus strand). VCF-style: chr16-30086553-G-T. GRCh37 (hg19) VCF-style: chr16-30097874-G-T.
Other names: c.1056C>A (NM_004608.3); short protein forms H352Q.
Identifiers: ClinVar variation 1975972 (VCV001975972.6), dbSNP rs901673570, ClinGen allele CA280429327.